The following is an entry in ClinVar:

ClinVar aggregate classification (germline): Uncertain significance (1 of 4 stars; one submission).

Allele frequency attached by ClinVar (database versions not stated): TOPMed 0.00001.
gnomAD v4.1: 2 of 1,524,156 alleles (0.00013%); highest among the groups gnomAD compares: Non-Finnish European, 0.00018%; no homozygotes.

Submission:

Labcorp Genetics (formerly Invitae), Labcorp
Classification: Uncertain significance. Last evaluated: 2021-12-04. Review status: criteria provided, single submitter. Criteria: Invitae Variant Classification Sherloc (09022015). Collection method: clinical testing. Allele origin: germline.
Comment: This sequence change falls in intron 15 of the EPHB4 gene. It does not directly change the encoded amino acid sequence of the EPHB4 protein. It affects a nucleotide within the consensus splice site. This variant is not present in population databases (gnomAD no frequency). This variant has not been reported in the literature in individuals affected with EPHB4-related conditions. Variants that disrupt the consensus splice site are a relatively common cause of aberrant splicing (PMID: 17576681, 9536098). Algorithms developed to predict the effect of sequence changes on RNA splicing suggest that this variant is not likely to affect RNA splicing. In summary, the available evidence is currently insufficient to determine the role of this variant in disease. Therefore, it has been classified as a Variant of Uncertain Significance.

Literature cited by the submitters: PubMed 17576681; PubMed 9536098.

NM_004444.5(EPHB4):c.2678+6G>A

Genes: EPHB4 (EPH receptor B4; minus strand), LOC126860124 (CDK7 strongly-dependent group 2 enhancer GRCh37_chr7:100403701-100404900; plus strand). Cytogenetic location: 7q22.1.
Variant type: single nucleotide variant.
Coding change: c.2678+6G>A on transcript NM_004444.5 (MANE Select); 6 bases into the intron after coding-DNA position 2678, G replaced by A.
Molecular consequence: intron variant.
Genome position (GRCh38, 1-based): chr7:100,805,495, C>T on the plus strand (G>A on the coding strand, the complement: EPHB4 is on the minus strand). VCF-style: chr7-100805495-C-T. GRCh37 (hg19) VCF-style: chr7-100403117-C-T.
Identifiers: ClinVar variation 1439577 (VCV001439577.6), dbSNP rs1215943300, ClinGen allele CA830541727.
Genomic context (GRCh38, chr7:100,805,495, plus strand): 5'-GGACACTTCTGGGCAAGGAGTGGGGGCAGAGAGCGGGAAGGAGGGCCCATTCTCTGCAGT[C>T]CTCACCCGCCATTCTCCCGGGCCACGATTTTGAGGCTGGCGGGGTTCCGGATCATCTTGT-3'